The following is an entry in ClinVar:

ClinVar aggregate classification (germline): Uncertain significance (0 of 4 stars; one submission).

Conditions:
ANKRD11-related disorder. Also called: ANKRD11-related condition.

gnomAD v4.1: 2 of 1,438,192 alleles (0.00014%); highest among the groups gnomAD compares: African/African-American, 0.0029%; no homozygotes.

Submission:

PreventionGenetics, part of Exact Sciences
Classification: Uncertain significance for ANKRD11-related condition. Last evaluated: 2024-07-29. Review status: no assertion criteria provided. Collection method: clinical testing. Allele origin: germline.
Comment: The ANKRD11 c.6908C>T variant is predicted to result in the amino acid substitution p.Ala2303Val. To our knowledge, this variant has not been reported in the literature or in a large population database, indicating it is rare. At this time, the clinical significance of this variant is uncertain due to the absence of conclusive functional and genetic evidence.

NM_013275.6(ANKRD11):c.6908C>T (p.Ala2303Val)

Gene: ANKRD11 (ankyrin repeat domain containing 11; minus strand). Cytogenetic location: 16q24.3.
Variant type: single nucleotide variant.
Coding change: c.6908C>T on transcript NM_013275.6 (MANE Select); coding-DNA position 6908, C replaced by T.
Protein change: p.Ala2303Val; replaces alanine 2303 with valine.
Molecular consequence: missense variant.
Genome position (GRCh38, 1-based): chr16:89,279,634, G>A on the plus strand (C>T on the coding strand, the complement: ANKRD11 is on the minus strand). VCF-style: chr16-89279634-G-A. GRCh37 (hg19) VCF-style: chr16-89346042-G-A.
Other names: c.6908C>T, p.Ala2303Val (NM_001256182.2, NM_001256183.2); short protein forms A2303V.
Identifiers: ClinVar variation 3347755 (VCV003347755.1).